The following is an entry in ClinVar:

NM_153603.4(COG7):c.1093A>G (p.Met365Val)

Gene: COG7 (component of oligomeric golgi complex 7; minus strand). Cytogenetic location: 16p12.2.
Variant type: single nucleotide variant.
Coding change: c.1093A>G on transcript NM_153603.4 (MANE Select); coding-DNA position 1093, A replaced by G.
Protein change: p.Met365Val; replaces methionine 365 with valine.
Molecular consequence: missense variant.
Genome position (GRCh38, 1-based): chr16:23,418,744, T>C on the plus strand (A>G on the coding strand, the complement: COG7 is on the minus strand). VCF-style: chr16-23418744-T-C. GRCh37 (hg19) VCF-style: chr16-23430065-T-C.
Other names: short protein forms M365V.
Identifiers: ClinVar variation 1524930 (VCV001524930.8), dbSNP rs1186888889, ClinGen allele CA395120409.

ClinVar aggregate classification (germline): Uncertain significance (1 of 4 stars; one submission).

Conditions:
COG7 congenital disorder of glycosylation (CDG2E). Also called: CDG IIe; CONGENITAL DISORDER OF GLYCOSYLATION, TYPE IIe. Identifiers: Orphanet 79333, MedGen C2931010, MONDO:0012118, OMIM 608779.

Allele frequency attached by ClinVar (database versions not stated): TOPMed below 0.00001; gnomAD 0.00001.
gnomAD v4.1: 3 of 1,613,824 alleles (0.00019%); highest among the groups gnomAD compares: African/African-American, 0.0027%; no homozygotes.

Submission:

Labcorp Genetics (formerly Invitae), Labcorp
Classification: Uncertain significance for COG7 congenital disorder of glycosylation. Last evaluated: 2021-07-05. Review status: criteria provided, single submitter. Criteria: Invitae Variant Classification Sherloc (09022015). Collection method: clinical testing. Allele origin: germline.
Comment: This sequence change replaces methionine with valine at codon 365 of the COG7 protein (p.Met365Val). The methionine residue is weakly conserved and there is a small physicochemical difference between methionine and valine. This variant is not present in population databases (ExAC no frequency). This variant has not been reported in the literature in individuals affected with COG7-related conditions. Algorithms developed to predict the effect of missense changes on protein structure and function are either unavailable or do not agree on the potential impact of this missense change (SIFT: "Deleterious"; PolyPhen-2: "Benign"; Align-GVGD: "Class C0"). In summary, the available evidence is currently insufficient to determine the role of this variant in disease. Therefore, it has been classified as a Variant of Uncertain Significance.